The following is an entry in ClinVar:

ClinVar aggregate classification (germline): Uncertain significance (1 of 4 stars; one submission).

Conditions:
Joubert syndrome. Also called: CEREBELLOPARENCHYMAL DISORDER IV; JOUBERT-BOLTSHAUSER SYNDROME; Familial aplasia of the vermis. Identifiers: Orphanet 475, MedGen C5979921, MONDO:0018772.
Meckel-Gruber syndrome. Also called: DYSENCEPHALIA SPLANCHNOCYSTICA; GRUBER SYNDROME; Dysencephalia splachnocystica. Identifiers: Orphanet 564, MedGen C0265215, MONDO:0018921.

Submission:

Labcorp Genetics (formerly Invitae), Labcorp
Classification: Uncertain significance for Joubert syndrome; Meckel-Gruber syndrome. Last evaluated: 2023-12-11. Review status: criteria provided, single submitter. Criteria: Invitae Variant Classification Sherloc (09022015). Collection method: clinical testing. Allele origin: germline.
Comment: This sequence change replaces cysteine, which is neutral and slightly polar, with glycine, which is neutral and non-polar, at codon 451 of the TCTN1 protein (p.Cys451Gly). This variant is not present in population databases (gnomAD no frequency). This variant has not been reported in the literature in individuals affected with TCTN1-related conditions. ClinVar contains an entry for this variant (Variation ID: 2013324). Advanced modeling of protein sequence and biophysical properties (such as structural, functional, and spatial information, amino acid conservation, physicochemical variation, residue mobility, and thermodynamic stability) performed at Invitae indicates that this missense variant is expected to disrupt TCTN1 protein function with a positive predictive value of 80%. In summary, the available evidence is currently insufficient to determine the role of this variant in disease. Therefore, it has been classified as a Variant of Uncertain Significance.

NM_001082538.3(TCTN1):c.1351T>G (p.Cys451Gly)

Gene: TCTN1 (tectonic family member 1; plus strand). Cytogenetic location: 12q24.11.
Variant type: single nucleotide variant.
Coding change: c.1351T>G on transcript NM_001082538.3 (MANE Select); coding-DNA position 1351, T replaced by G.
Protein change: p.Cys451Gly; replaces cysteine 451 with glycine.
Molecular consequence: missense variant. On other transcripts: non-coding transcript variant (1).
Genome position (GRCh38, 1-based): chr12:110,644,986, T>G. VCF-style: chr12-110644986-T-G. GRCh37 (hg19) VCF-style: chr12-111082791-T-G.
Other names: c.1351T>G, p.Cys451Gly (NM_001082537.3); c.1183T>G, p.Cys395Gly (NM_001173975.3); c.1024T>G, p.Cys342Gly (NM_001173976.2); c.1204T>G, p.Cys402Gly (NM_001319680.2); c.817T>G, p.Cys273Gly (NM_001319681.2); c.1309T>G, p.Cys437Gly (NM_024549.6); short protein forms C342G, C395G, C273G, C402G, C437G, C451G.
Identifiers: ClinVar variation 2013324 (VCV002013324.4), dbSNP rs2548929869, ClinGen allele CA386705668.